The following is an entry in ClinVar:

NM_000282.4(PCCA):c.431G>T (p.Gly144Val)

Gene: PCCA (propionyl-CoA carboxylase subunit alpha; plus strand). Cytogenetic location: 13q32.3.
Variant type: single nucleotide variant.
Coding change: c.431G>T on transcript NM_000282.4 (MANE Select); coding-DNA position 431, G replaced by T.
Protein change: p.Gly144Val; replaces glycine 144 with valine.
Molecular consequence: missense variant. On other transcripts: 5 prime UTR variant (3), non-coding transcript variant (5).
Genome position (GRCh38, 1-based): chr13:100,157,303, G>T. VCF-style: chr13-100157303-G-T. GRCh37 (hg19) VCF-style: chr13-100809557-G-T.
Other names: c.353G>T, p.Gly118Val (NM_001127692.3, NM_001352607.2, NM_001352608.2); c.431G>T, p.Gly144Val (NM_001178004.2, NM_001352605.2, NM_001352606.2 and 1 more transcripts); c.-436G>T (NM_001352610.2, NM_001352611.2, NM_001352612.2); short protein forms G144V, G118V.
Identifiers: ClinVar variation 218259 (VCV000218259.2), dbSNP rs879253808, ClinGen allele CA10575824.

ClinVar aggregate classification (germline): Pathogenic (1 of 4 stars; one submission).

Conditions:
Propionic acidemia (PROP). Also called: GLYCINEMIA, KETOTIC; HYPERGLYCINEMIA WITH KETOACIDOSIS AND LEUKOPENIA; KETOTIC HYPERGLYCINEMIA. Identifiers: Orphanet 35, MedGen C0268579, MONDO:0011628, OMIM 606054, HP:0003571.

Submission:

Institute of Medical Genetics and Genomics, Sir Ganga Ram Hospital
Classification: Pathogenic for Propionic Acidemia. Last evaluated: 2014-01-01. Review status: criteria provided, single submitter. Criteria: Gupta et al. (Genet Test Mol Biomarkers 2016). Collection method: research. Allele origin: germline. Affected: yes. Observed: 1 variant allele. Study: ORGANIC ACIDURIAS.
Comment: Missense mutation